The following is an entry in ClinVar:

ClinVar aggregate classification (germline): Uncertain significance. Review status: criteria provided, multiple submitters, no conflicts (2 of 4 stars). 2 submissions from 2 submitters: Uncertain significance (2). Last evaluated 2024-11-18.

Allele frequency attached by ClinVar (database versions not stated): ExAC 0.00001; TOPMed 0.00001; gnomAD exomes 0.00002.
gnomAD v4.1: 15 of 1,613,852 alleles (0.00093%); highest among the groups gnomAD compares: East Asian, 0.0022%; no homozygotes.

Submissions (2):

Labcorp Genetics (formerly Invitae), Labcorp
Classification: Uncertain significance. Last evaluated: 2024-11-18. Review status: criteria provided, single submitter. Criteria: Invitae Variant Classification Sherloc (09022015). Collection method: clinical testing. Allele origin: germline.
Comment: This sequence change replaces arginine, which is basic and polar, with cysteine, which is neutral and slightly polar, at codon 501 of the RUSC2 protein (p.Arg501Cys). This variant is present in population databases (rs267602223, gnomAD 0.003%). This variant has not been reported in the literature in individuals affected with RUSC2-related conditions. ClinVar contains an entry for this variant (Variation ID: 1488235). An algorithm developed to predict the effect of missense changes on protein structure and function (PolyPhen-2) suggests that this variant is likely to be disruptive. In summary, the available evidence is currently insufficient to determine the role of this variant in disease. Therefore, it has been classified as a Variant of Uncertain Significance.

Ambry Genetics
Classification: Uncertain significance. Last evaluated: 2024-01-02. Review status: criteria provided, single submitter. Criteria: Ambry Variant Classification Scheme 2023. Collection method: clinical testing. Allele origin: germline.

NM_014806.5(RUSC2):c.1501C>T (p.Arg501Cys)

Gene: RUSC2 (RUN and SH3 domain containing 2; plus strand). Cytogenetic location: 9p13.3.
Variant type: single nucleotide variant.
Coding change: c.1501C>T on transcript NM_014806.5 (MANE Select); coding-DNA position 1501, C replaced by T.
Protein change: p.Arg501Cys; replaces arginine 501 with cysteine.
Molecular consequence: missense variant. On other transcripts: non-coding transcript variant (1), intron variant (1).
Genome position (GRCh38, 1-based): chr9:35,548,022, C>T. VCF-style: chr9-35548022-C-T. GRCh37 (hg19) VCF-style: chr9-35548019-C-T.
Other names: c.1501C>T, p.Arg501Cys (NM_001135999.2); c.-620-7038C>T (NM_001330740.2); short protein forms R501C.
Identifiers: ClinVar variation 1488235 (VCV001488235.7), dbSNP rs267602223, ClinGen allele CA5043655.